The following is an entry in ClinVar:

NM_020461.4(TUBGCP6):c.4930G>T (p.Val1644Phe)

Gene: TUBGCP6 (tubulin gamma complex component 6; minus strand). Cytogenetic location: 22q13.33.
Variant type: single nucleotide variant.
Coding change: c.4930G>T on transcript NM_020461.4 (MANE Select); coding-DNA position 4930, G replaced by T.
Protein change: p.Val1644Phe; replaces valine 1644 with phenylalanine.
Molecular consequence: missense variant.
Genome position (GRCh38, 1-based): chr22:50,218,512, C>A on the plus strand (G>T on the coding strand, the complement: TUBGCP6 is on the minus strand). VCF-style: chr22-50218512-C-A. GRCh37 (hg19) VCF-style: chr22-50656941-C-A.
Other names: short protein forms V1644F.
Identifiers: ClinVar variation 1440752 (VCV001440752.6), dbSNP rs977199763, ClinGen allele CA412165375.

ClinVar aggregate classification (germline): Uncertain significance (1 of 4 stars; one submission).

Submission:

Labcorp Genetics (formerly Invitae), Labcorp
Classification: Uncertain significance. Last evaluated: 2026-01-26. Review status: criteria provided, single submitter. Criteria: Invitae Variant Classification Sherloc (09022015). Collection method: clinical testing. Allele origin: germline.
Comment: This sequence change replaces valine, which is neutral and non-polar, with phenylalanine, which is neutral and non-polar, at codon 1644 of the TUBGCP6 protein (p.Val1644Phe). This variant is not present in population databases (gnomAD no frequency). This variant has not been reported in the literature in individuals affected with TUBGCP6-related conditions. ClinVar contains an entry for this variant (Variation ID: 1440752). An algorithm developed to predict the effect of missense changes on protein structure and function (PolyPhen-2) suggests that this variant is likely to be disruptive. In summary, the available evidence is currently insufficient to determine the role of this variant in disease. Therefore, it has been classified as a Variant of Uncertain Significance.